The following is an entry in ClinVar:

NM_001242809.2(ANKRD6):c.1041A>G (p.Ala347=)

Gene: ANKRD6 (ankyrin repeat domain 6; plus strand). Cytogenetic location: 6q15.
Variant type: single nucleotide variant.
Coding change: c.1041A>G on transcript NM_001242809.2 (MANE Select); coding-DNA position 1041, A replaced by G.
Protein change: p.Ala347=; no amino-acid change (alanine 347 retained).
Molecular consequence: synonymous variant.
Genome position (GRCh38, 1-based): chr6:89,623,880, A>G. VCF-style: chr6-89623880-A-G. GRCh37 (hg19) VCF-style: chr6-90333599-A-G.
Other names: c.1041A>G, p.Ala347= (NM_001242811.1, NM_014942.4); c.936A>G, p.Ala312= (NM_001242813.1); c.864A>G, p.Ala288= (NM_001242814.1).
Identifiers: ClinVar variation 3060790 (VCV003060790.2), dbSNP rs17292811, ClinGen allele CA3921418.
Genomic context (GRCh38, chr6:89,623,880, plus strand): 5'-AGTCTTGCAGAGGTCAAAGCGTTCAGGGGTGTTGTCTCTTCCTCTCTTACAGGTGTCAGC[A>G]TTTTCTGACCCCACCCCACCAGCCGACCAACAGCCTGGACACCAGAAGAACCTGCATGCT-3'
Protein context (NP_001229738.1, residues 337-357): RRRKSRPKVS[Ala347=]FSDPTPPADQ

ClinVar aggregate classification (germline): Benign (0 of 4 stars; one submission).

Conditions:
ANKRD6-related disorder. Also called: ANKRD6-related condition.

Allele frequency attached by ClinVar (database versions not stated): ESP Exome Variant Server 0.85174; gnomAD 0.86055; TOPMed 0.86404; ExAC 0.86510; 1000 Genomes Project 0.90415; 1000 Genomes Project 30x 0.90506.
gnomAD v4.1: 1,365,585 of 1,612,574 alleles (85%); highest among the groups gnomAD compares: East Asian, 100%; 579,499 homozygotes.

Submission:

PreventionGenetics, part of Exact Sciences
Classification: Benign for ANKRD6-related condition. Last evaluated: 2019-10-17. Review status: no assertion criteria provided. Collection method: clinical testing. Allele origin: germline.
Comment: This variant is classified as benign based on ACMG/AMP sequence variant interpretation guidelines (Richards et al. 2015 PMID: 25741868, with internal and published modifications).